The following is an entry in ClinVar:

ClinVar aggregate classification (germline): Benign (1 of 4 stars; one submission).

Allele frequency attached by ClinVar (database versions not stated): gnomAD 0.11856 and 0.12699; TOPMed 0.13241; 1000 Genomes Project 30x 0.19425; 1000 Genomes Project 0.20208.
gnomAD v4.1: 19,307 of 152,280 alleles (13%); highest among the groups gnomAD compares: East Asian, 48%; 2,083 homozygotes.

Submission:

GeneDx
Classification: Benign. Last evaluated: 2018-06-19. Review status: criteria provided, single submitter. Criteria: GeneDx Variant Classification (06012015). Collection method: clinical testing. Allele origin: germline. Affected: yes.
Comment: This variant is considered likely benign or benign based on one or more of the following criteria: it is a conservative change, it occurs at a poorly conserved position in the protein, it is predicted to be benign by multiple in silico algorithms, and/or has population frequency not consistent with disease.

NM_152906.7(TANGO2):c.605+289G>A

Gene: TANGO2 (transport and golgi organization 2 homolog; plus strand). Cytogenetic location: 22q11.21.
Variant type: single nucleotide variant.
Coding change: c.605+289G>A on transcript NM_152906.7 (MANE Select); 289 bases into the intron after coding-DNA position 605, G replaced by A.
Molecular consequence: intron variant.
Genome position (GRCh38, 1-based): chr22:20,061,972, G>A. VCF-style: chr22-20061972-G-A. GRCh37 (hg19) VCF-style: chr22-20049495-G-A.
Other names: c.605+289G>A (NM_001283106.3, NM_001322142.2, NM_001283116.3); c.419+289G>A (NM_001322163.2, NM_001283179.3, NM_001322167.2 and 2 more transcripts); c.311+289G>A (NM_001322174.2, NM_001322172.2, NM_001322175.2 and 6 more transcripts); c.501+291G>A (NM_001322160.2); c.728+289G>A (NM_001322143.2, NM_001322141.2, NM_001283129.3); c.542+289G>A (NM_001322145.2, NM_001322147.2); c.503+289G>A (NM_001322146.2, NM_001322148.2); c.603+291G>A (NM_001283154.3, NM_001283148.3); and 6 more.
Identifiers: ClinVar variation 684152 (VCV000684152.1), dbSNP rs2286484, ClinGen allele CA14947934.